The following is an entry in ClinVar:

ClinVar aggregate classification (germline): Uncertain significance (1 of 4 stars; one submission).

Conditions:
DICER1-related tumor predisposition. Also called: DICER1 syndrome; DICER1-related pleuropulmonary blastoma cancer predisposition syndrome. Identifiers: Orphanet 284343, MedGen C3839822, MONDO:0100216.

Submission:

Labcorp Genetics (formerly Invitae), Labcorp
Classification: Uncertain significance for DICER1-related tumor predisposition. Last evaluated: 2024-03-29. Review status: criteria provided, single submitter. Criteria: Invitae Variant Classification Sherloc (09022015). Collection method: clinical testing. Allele origin: germline.
Comment: This sequence change replaces aspartic acid, which is acidic and polar, with tyrosine, which is neutral and polar, at codon 215 of the DICER1 protein (p.Asp215Tyr). This variant is not present in population databases (gnomAD no frequency). This variant has not been reported in the literature in individuals affected with DICER1-related conditions. Advanced modeling of protein sequence and biophysical properties (such as structural, functional, and spatial information, amino acid conservation, physicochemical variation, residue mobility, and thermodynamic stability) performed at Invitae indicates that this missense variant is not expected to disrupt DICER1 protein function with a negative predictive value of 80%. In summary, the available evidence is currently insufficient to determine the role of this variant in disease. Therefore, it has been classified as a Variant of Uncertain Significance.

NM_177438.3(DICER1):c.643G>T (p.Asp215Tyr)

Gene: DICER1 (dicer 1, ribonuclease III; minus strand). Cytogenetic location: 14q32.13.
Variant type: single nucleotide variant.
Coding change: c.643G>T on transcript NM_177438.3 (MANE Select); coding-DNA position 643, G replaced by T.
Protein change: p.Asp215Tyr; replaces aspartic acid 215 with tyrosine.
Molecular consequence: missense variant. On other transcripts: 5 prime UTR variant (1), non-coding transcript variant (6).
Genome position (GRCh38, 1-based): chr14:95,129,563, C>A on the plus strand (G>T on the coding strand, the complement: DICER1 is on the minus strand). VCF-style: chr14-95129563-C-A. GRCh37 (hg19) VCF-style: chr14-95595900-C-A.
Other names: c.643G>T, p.Asp215Tyr (NM_001195573.1, NM_001271282.3, NM_001291628.2 and 14 more transcripts); c.238G>T, p.Asp80Tyr (NM_001395689.1, NM_001395690.1, NM_001395696.1 and 3 more transcripts); c.76G>T, p.Asp26Tyr (NM_001395691.1); c.-926G>T (NM_001395697.1); c.361G>T, p.Asp121Tyr (NM_001395686.1); short protein forms D121Y, D215Y, D26Y, D80Y.
Identifiers: ClinVar variation 3605401 (VCV003605401.2).